The following is an entry in ClinVar:

NM_017739.4(POMGNT1):c.420+4A>G

Genes: POMGNT1 (protein O-linked mannose N-acetylglucosaminyltransferase 1 (beta 1,2-); minus strand), TSPAN1 (tetraspanin 1; plus strand). Cytogenetic location: 1p34.1.
Variant type: single nucleotide variant.
Coding change: c.420+4A>G on transcript NM_017739.4 (MANE Select); 4 bases into the intron after coding-DNA position 420, A replaced by G.
Molecular consequence: intron variant.
Genome position (GRCh38, 1-based): chr1:46,196,008, T>C on the plus strand (A>G on the coding strand, the complement: POMGNT1 is on the minus strand). VCF-style: chr1-46196008-T-C. GRCh37 (hg19) VCF-style: chr1-46661680-T-C.
Other names: c.420+4A>G (NM_001243766.2, NM_001438686.1, NM_001438688.1 and 3 more transcripts); c.354+4A>G (NM_001290129.3, NM_001438691.1, NM_001438692.1); c.-10+4A>G (NM_001290130.2).
Identifiers: ClinVar variation 2093672 (VCV002093672.3), dbSNP rs2525453043, ClinGen allele CA2580062992.

ClinVar aggregate classification (germline): Uncertain significance (1 of 4 stars; one submission).

Conditions:
Autosomal recessive limb-girdle muscular dystrophy type 2O. Also called: Limb-Girdle Muscular Dystrophy Type 3C; MUSCULAR DYSTROPHY-DYSTROGLYCANOPATHY (LIMB-GIRDLE), TYPE C, 3; MUSCULAR DYSTROPHY-DYSTROGLYCANOPATHY, LIMB-GIRDLE, POMGNT1-RELATED. Identifiers: Orphanet 206564, MedGen C3150417, MONDO:0013161, OMIM 613157.
Muscular dystrophy-dystroglycanopathy (congenital with impaired intellectual development), type B, 3. Also called: Muscular dystrophy-dystroglycanopathy (congenital with intellectual disability), type B3; MUSCULAR DYSTROPHY, CONGENITAL, POMGNT1-RELATED. Identifiers: MedGen C3150412, MONDO:0013155, OMIM 613151.

Allele frequency attached by ClinVar (database versions not stated): gnomAD exomes below 0.00001.
gnomAD v4.1: 1 of 1,613,952 alleles (0.000062%); highest among the groups gnomAD compares: Non-Finnish European, 0.000085%; no homozygotes.

Submission:

Labcorp Genetics (formerly Invitae), Labcorp
Classification: Uncertain significance for Autosomal recessive limb-girdle muscular dystrophy type 2O; Muscular dystrophy-dystroglycanopathy (congenital with impaired intellectual development), type B, 3. Last evaluated: 2025-05-19. Review status: criteria provided, single submitter. Criteria: Invitae Variant Classification Sherloc (09022015). Collection method: clinical testing. Allele origin: germline.
Comment: This sequence change falls in intron 5 of the POMGNT1 gene. It does not directly change the encoded amino acid sequence of the POMGNT1 protein. It affects a nucleotide within the consensus splice site. This variant is not present in population databases (gnomAD no frequency). This variant has not been reported in the literature in individuals affected with POMGNT1-related conditions. ClinVar contains an entry for this variant (Variation ID: 2093672). Variants that disrupt the consensus splice site are a relatively common cause of aberrant splicing (PMID: 17576681, 9536098). Algorithms developed to predict the effect of sequence changes on RNA splicing suggest that this variant may disrupt the consensus splice site. In summary, the available evidence is currently insufficient to determine the role of this variant in disease. Therefore, it has been classified as a Variant of Uncertain Significance.

Literature cited by the submitters: PubMed 17576681; PubMed 9536098.